The following is an entry in ClinVar:

NM_000186.4(CFH):c.3128G>C (p.Cys1043Ser)

Gene: CFH (complement factor H; plus strand). Cytogenetic location: 1q31.3.
Variant type: single nucleotide variant.
Coding change: c.3128G>C on transcript NM_000186.4 (MANE Select); coding-DNA position 3128, G replaced by C.
Protein change: p.Cys1043Ser; replaces cysteine 1043 with serine.
Molecular consequence: missense variant.
Genome position (GRCh38, 1-based): chr1:196,742,046, G>C. VCF-style: chr1-196742046-G-C. GRCh37 (hg19) VCF-style: chr1-196711176-G-C.
Other names: short protein forms C1043S.
Identifiers: ClinVar variation 4291667 (VCV004291667.2).
Genomic context (GRCh38, chr1:196,742,046, plus strand): 5'-AAATGGATGGAGCCAGTAATGTAACATGCATTAATAGCAGATGGACAGGAAGGCCAACAT[G>C]CAGAGGTACTTTGGTGAATTTTCAAAATTTATTTATATAATGTGTGGGCCCAGCCCAGTG-3'
Protein context (NP_000177.2, residues 1033-1053): INSRWTGRPT[Cys1043Ser]RDTSCVNPPT

ClinVar aggregate classification (germline): Uncertain significance (1 of 4 stars; one submission).

Conditions:
Factor H deficiency (CFHD). Also called: COMPLEMENT FACTOR H DEFICIENCY; CFH DEFICIENCY. Identifiers: Orphanet 200421, MedGen C0398777, MONDO:0012350, OMIM 609814.

Submission:

Genomenon, Inc
Classification: Uncertain significance for Factor H deficiency. Last evaluated: 2026-09-17. Review status: criteria provided, single submitter. Criteria: Genomenon Sequence Variant Interpretation Standards - Updated. Collection method: curation. Allele origin: germline. Affected: yes.
Comment: CFH p.Cys1043Ser (c.3128G>C) is a missense variant that changes the amino acid at codon 1043 from cysteine to serine. This variant has been observed in at least one proband affected with complement factor H deficiency (PMID: 22456601). In conclusion, we classify CFH p.Cys1043Ser (c.3128G>C) as a variant of uncertain significance.

Literature cited by the submitters: PubMed 22456601.